The following is an entry in ClinVar:

ClinVar aggregate classification (germline): Uncertain significance (1 of 4 stars; one submission).

Conditions:
Mucopolysaccharidosis type 1. Also called: IDUA deficiency; MPS I; Mucopolysaccharidosis Type I. Identifiers: Orphanet 579, MedGen C0023786, MONDO:0001586.

Submission:

Labcorp Genetics (formerly Invitae), Labcorp
Classification: Uncertain significance for Mucopolysaccharidosis type 1. Last evaluated: 2022-08-13. Review status: criteria provided, single submitter. Criteria: Invitae Variant Classification Sherloc (09022015). Collection method: clinical testing. Allele origin: germline.
Comment: Advanced modeling of protein sequence and biophysical properties (such as structural, functional, and spatial information, amino acid conservation, physicochemical variation, residue mobility, and thermodynamic stability) performed at Invitae indicates that this missense variant is expected to disrupt IDUA protein function. In summary, the available evidence is currently insufficient to determine the role of this variant in disease. Therefore, it has been classified as a Variant of Uncertain Significance. This variant has not been reported in the literature in individuals affected with IDUA-related conditions. This sequence change replaces proline, which is neutral and non-polar, with leucine, which is neutral and non-polar, at codon 493 of the IDUA protein (p.Pro493Leu). This variant is not present in population databases (gnomAD no frequency).

NM_000203.5(IDUA):c.1478C>T (p.Pro493Leu)

Gene: IDUA (alpha-L-iduronidase; plus strand). Cytogenetic location: 4p16.3.
Variant type: single nucleotide variant.
Coding change: c.1478C>T on transcript NM_000203.5 (MANE Select); coding-DNA position 1478, C replaced by T.
Protein change: p.Pro493Leu; replaces proline 493 with leucine.
Molecular consequence: missense variant. On other transcripts: non-coding transcript variant (1).
Genome position (GRCh38, 1-based): chr4:1,003,111, C>T. VCF-style: chr4-1003111-C-T. GRCh37 (hg19) VCF-style: chr4-996899-C-T.
Other names: c.1082C>T, p.Pro361Leu (NM_001363576.1); short protein forms P493L, P361L.
Identifiers: ClinVar variation 2162419 (VCV002162419.4), dbSNP rs375819348, ClinGen allele CA355964667.